The following is an entry in ClinVar:

ClinVar aggregate classification (germline): Likely benign. Review status: criteria provided, multiple submitters, no conflicts (2 of 4 stars). 2 submissions from 2 submitters: Likely benign (2). Last evaluated 2024-05-13.

Submissions (2):

Women's Health and Genetics/Laboratory Corporation of America, LabCorp
Classification: Likely benign. Last evaluated: 2024-05-13. Review status: criteria provided, single submitter. Criteria: LabCorp Variant Classification Summary - May 2015. Collection method: clinical testing. Allele origin: germline.
Comment: Variant summary: LPL c.1139+20G>A alters a non-conserved nucleotide located at a position not widely known to affect splicing. Consensus agreement among computation tools predict no significant impact on normal splicing. However, these predictions have yet to be confirmed by functional studies. The variant allele was found at a frequency of 4e-05 in 250520 control chromosomes. This frequency is not significantly higher than estimated for a pathogenic variant in LPL causing Familial Lipoprotein Lipase Deficiency (4e-05 vs 0.0034), allowing no conclusion about variant significance. To our knowledge, no occurrence of c.1139+20G>A in individuals affected with Familial Lipoprotein Lipase Deficiency and no experimental evidence demonstrating its impact on protein function have been reported. ClinVar contains an entry for this variant (Variation ID: 2733261). Based on the evidence outlined above, the variant was classified as likely benign.

Labcorp Genetics (formerly Invitae), Labcorp
Classification: Likely benign. Last evaluated: 2023-10-09. Review status: criteria provided, single submitter. Criteria: Invitae Variant Classification Sherloc (09022015). Collection method: clinical testing. Allele origin: germline.

NM_000237.3(LPL):c.1139+20G>A

Gene: LPL (lipoprotein lipase; plus strand). Cytogenetic location: 8p21.3.
Variant type: single nucleotide variant.
Coding change: c.1139+20G>A on transcript NM_000237.3 (MANE Select); 20 bases into the intron after coding-DNA position 1139, G replaced by A.
Molecular consequence: intron variant.
Genome position (GRCh38, 1-based): chr8:19,959,400, G>A. VCF-style: chr8-19959400-G-A. GRCh37 (hg19) VCF-style: chr8-19816911-G-A.
Identifiers: ClinVar variation 2733261 (VCV002733261.4), dbSNP rs74926303, ClinGen allele CA4655633.